The following is an entry in ClinVar:

NM_006493.4(CLN5):c.717dup (p.Asn240Ter)

Gene: CLN5 (CLN5 lysosomal BMP synthase; plus strand). Cytogenetic location: 13q22.3.
Variant type: Duplication.
Coding change: c.717dup on transcript NM_006493.4 (MANE Select); coding-DNA position 717, one base duplicated (T; older notation c.717dupT).
Protein change: p.Asn240Ter; replaces asparagine 240 with a stop codon.
Molecular consequence: nonsense. On other transcripts: 3 prime UTR variant (1).
Genome position (GRCh38, 1-based): chr13:77,000,609, T duplicated; the last of 3 consecutive T bases (chr13:77,000,607-77,000,609); duplicating any one gives the same sequence. VCF-style (leftmost placement, unchanged base first): chr13-77000606-C-CT. GRCh37 (hg19) VCF-style: chr13-77574741-C-CT.
Other names: c.*166dup (NM_001366624.2); short protein forms N240*.
Identifiers: ClinVar variation 2680828 (VCV002680828.2), dbSNP rs2501155560, ClinGen allele CA2695199765.

ClinVar aggregate classification (germline): Pathogenic/Likely pathogenic. Review status: criteria provided, multiple submitters, no conflicts (2 of 4 stars). 2 submissions from 2 submitters: Pathogenic (1); Likely pathogenic (1). Last evaluated 2025-12-22.

Conditions:
Neuronal ceroid lipofuscinosis. Also called: Neuronal Ceroid Lipofuscinoses. Identifiers: Orphanet 216, Orphanet 79263, MedGen C0027877, MONDO:0016295. Disease mechanism: loss of function.
Neuronal ceroid lipofuscinosis 5 (CLN5). Also called: CLN5-Related Neuronal Ceroid-Lipofuscinosis; CEROID LIPOFUSCINOSIS, NEURONAL, 5, VARIABLE AGE AT ONSET; Neuronal ceroid lipofuscinosis Finnish variant; NEURONAL CEROID LIPOFUSCINOSIS, LATE INFANTILE, FINNISH VARIANT. Identifiers: Orphanet 168491, Orphanet 228360, MedGen C1850442, MONDO:0009745, OMIM 256731.

Submissions (2):

Labcorp Genetics (formerly Invitae), Labcorp
Classification: Pathogenic for Neuronal ceroid lipofuscinosis. Last evaluated: 2025-12-22. Review status: criteria provided, single submitter. Criteria: Invitae Variant Classification Sherloc (09022015). Collection method: clinical testing. Allele origin: germline.
Comment: This sequence change creates a premature translational stop signal (p.Asn289*) in the CLN5 gene. While this is not anticipated to result in nonsense mediated decay, it is expected to disrupt the last 119 amino acid(s) of the CLN5 protein. This variant is not present in population databases (gnomAD no frequency). This variant has not been reported in the literature in individuals affected with CLN5-related conditions. ClinVar contains an entry for this variant (Variation ID: 2680828). This variant disrupts a region of the CLN5 protein in which other variant(s) (p.Tyr392*) have been determined to be pathogenic (PMID: 9662406). This suggests that this is a clinically significant region of the protein, and that variants that disrupt it are likely to be disease-causing. For these reasons, this variant has been classified as Pathogenic.

Baylor Genetics
Classification: Likely pathogenic for Neuronal ceroid lipofuscinosis 5. Last evaluated: 2023-10-18. Review status: criteria provided, single submitter. Criteria: ACMG Guidelines, 2015. Collection method: clinical testing. Allele origin: unknown.

Literature cited by the submitters: PubMed 9662406 (cited by Labcorp Genetics (formerly Invitae), Labcorp).